The following is an entry in ClinVar:

NM_003721.4(RFXANK):c.713-1G>A

Genes: NR2C2AP (nuclear receptor 2C2 associated protein; minus strand), RFXANK (regulatory factor X associated ankyrin containing protein; plus strand). Cytogenetic location: 19p13.11.
Variant type: single nucleotide variant.
Coding change: c.713-1G>A on transcript NM_003721.4 (MANE Select); the canonical splice acceptor site of the intron before coding-DNA position 713, G replaced by A.
Molecular consequence: splice acceptor variant. On other transcripts: 3 prime UTR variant (1), intron variant (1).
Genome position (GRCh38, 1-based): chr19:19,201,648, G>A. VCF-style: chr19-19201648-G-A. GRCh37 (hg19) VCF-style: chr19-19312457-G-A.
Other names: c.*277C>T (NM_176880.6); c.647-1G>A (NM_001278727.2, NM_001370234.1); c.644-1G>A (NM_134440.3, NM_001278728.2); c.710-1G>A (NM_001370235.1, NM_001370236.1); c.788-1G>A (NM_001370238.1); c.713-1G>A (NM_001370233.1); c.785-1G>A (NM_001370237.1); c.415-85C>T (NM_001300945.2).
Identifiers: ClinVar variation 992972 (VCV000992972.4), dbSNP rs2060720733, ClinGen allele CA404900398.

ClinVar aggregate classification (germline): Pathogenic/Likely pathogenic. Review status: criteria provided, multiple submitters, no conflicts (2 of 4 stars). 3 submissions from 3 submitters: Pathogenic (1); Likely pathogenic (1). 1 of the submissions does not count toward it. Last evaluated 2024-03-17.

Conditions:
MHC class II deficiency. Also called: Bare lymphocyte syndrome 2; BLS, TYPE II. Identifiers: Orphanet 572, MedGen C5447452, MONDO:0008855.

Submissions (3):

Genomic Medicine Center of Excellence, King Faisal Specialist Hospital and Research Centre
Classification: Pathogenic for MHC class II deficiency 1. Last evaluated: 2024-03-17. Review status: criteria provided, single submitter. Criteria: ACMG Guidelines, 2015. Collection method: research. Allele origin: germline.

Baylor Genetics
Classification: Likely pathogenic for MHC class II deficiency 1. Last evaluated: 2019-09-05. Review status: criteria provided, single submitter. Criteria: ACMG Guidelines, 2015. Collection method: clinical testing. Allele origin: unknown. Affected: yes.
Comment: This variant was determined to be likely pathogenic according to ACMG Guidelines, 2015 [PMID:25741868].

Biochemical Molecular Genetic Laboratory, King Abdulaziz Medical City
Classification: Uncertain significance for MHC class II deficiency 1. Last evaluated: 2020-08-07. Review status: no assertion criteria provided. Collection method: clinical testing. Allele origin: germline. Affected: yes. Not counted in ClinVar's aggregate classification.